The following is an entry in ClinVar:

ClinVar aggregate classification (germline): Pathogenic. Review status: criteria provided, multiple submitters, no conflicts (2 of 4 stars). 13 submissions from 13 submitters: Pathogenic (12). 1 of the submissions does not count toward it. Last evaluated 2026-03-30.

Conditions:
COACH syndrome 2. Identifiers: MedGen C5436837, MONDO:0030859, OMIM 619111.
Retinitis pigmentosa 93. Identifiers: MedGen C5676970, MONDO:0030797, OMIM 619845.
Meckel syndrome, type 6. Identifiers: Orphanet 564, MedGen C2676790, MONDO:0012848, OMIM 612284.
Joubert syndrome 9 (JBTS9). Identifiers: Orphanet 2318, MedGen C2676788, MONDO:0012849, OMIM 612285.
CC2D2A-related disorder. Also called: CC2D2A-related disorders; CC2D2A-related condition. Identifiers: MedGen CN239313.
Inborn genetic diseases. Identifiers: MedGen C0950123, MeSH D030342.
Meckel-Gruber syndrome. Also called: Dysencephalia splachnocystica; DYSENCEPHALIA SPLANCHNOCYSTICA; GRUBER SYNDROME. Identifiers: Orphanet 564, MedGen C0265215, MONDO:0018921.
Joubert syndrome. Also called: Familial aplasia of the vermis; JOUBERT-BOLTSHAUSER SYNDROME. Identifiers: Orphanet 475, MedGen C5979921, MONDO:0018772.
Retinal dystrophy. Also called: Inherited retinal dystrophy. Identifiers: Orphanet 71862, MedGen C0854723, MeSH D058499, MONDO:0019118, HP:0000556.

Submissions (13):

Ambry Genetics
Classification: Pathogenic for Inborn genetic diseases. Last evaluated: 2026-03-30. Review status: criteria provided, single submitter. Criteria: Ambry Variant Classification Scheme 2023. Collection method: clinical testing. Allele origin: germline.
Comment: The c.3084delG (p.K1029Rfs*3) alteration, located in exon 25 (coding exon 23) of the CC2D2A gene, consists of a deletion of one nucleotide at position 3084, causing a translational frameshift with a predicted alternate stop codon after 3 amino acids. This variant is expected to result in loss of function by premature protein truncation or nonsense-mediated mRNA decay. Based on data from gnomAD, this allele has an overall frequency of 0.002% (4/272736) total alleles studied. The highest observed frequency was 0.009% (2/23558) of African alleles. This variant has been identified in the homozygous state and/or in conjunction with other CC2D2A variant(s) in individual(s) with features consistent with CC2D2A-related ciliopathy; in at least one instance, the variants were identified in trans (Mougou-Zerelli, 2009; Tallila, 2009; Hopp, 2011; Al-Hamed, 2016; Barroso-Gil, 2021; Alhaddad, 2024). Based on the available evidence, this alteration is classified as pathogenic.

PreventionGenetics, part of Exact Sciences
Classification: Pathogenic for CC2D2A-related condition. Last evaluated: 2025-10-15. Review status: criteria provided, single submitter. Criteria: ACMG Guidelines, 2015. Collection method: clinical testing. Allele origin: germline.
Comment: The CC2D2A c.3084delG variant is predicted to result in a frameshift and premature protein termination (p.Lys1029Argfs*3). This frameshift variant has been reported to be causative for Meckel-Gruber syndrome when found in the homozygous state or compound heterozygous state with a second pathogenic variant (Tallila et al. 2009. PubMed ID: 19466712; Family F-88 in Table S3 in Additional file 2, Shaheen et al. 2016. PubMed ID: 27894351). This variant is reported in 0.0085% of alleles in individuals of African descent in gnomAD. Frameshift variants in CC2D2A are expected to be pathogenic. This variant is interpreted as pathogenic.

Labcorp Genetics (formerly Invitae), Labcorp
Classification: Pathogenic for Joubert syndrome; Meckel-Gruber syndrome. Last evaluated: 2025-02-24. Review status: criteria provided, single submitter. Criteria: Invitae Variant Classification Sherloc (09022015). Collection method: clinical testing. Allele origin: germline.
Comment: This sequence change creates a premature translational stop signal (p.Lys1029Argfs*3) in the CC2D2A gene. It is expected to result in an absent or disrupted protein product. Loss-of-function variants in CC2D2A are known to be pathogenic (PMID: 19777577). This variant is present in population databases (rs764571764, gnomAD 0.009%). This premature translational stop signal has been observed in individuals with Meckel syndrome (PMID: 19466712, 27894351). ClinVar contains an entry for this variant (Variation ID: 56301). For these reasons, this variant has been classified as Pathogenic.

Genomic Medicine Center of Excellence, King Faisal Specialist Hospital and Research Centre
Classification: Pathogenic for Joubert syndrome 9. Last evaluated: 2024-03-26. Review status: criteria provided, single submitter. Criteria: ACMG Guidelines, 2015. Collection method: clinical testing. Allele origin: germline.

Fulgent Genetics
Classification: Pathogenic for Meckel syndrome, type 6; Joubert syndrome 9; COACH syndrome 2; Retinitis pigmentosa 93. Last evaluated: 2024-03-06. Review status: criteria provided, single submitter. Criteria: ACMG Guidelines, 2015. Collection method: clinical testing. Allele origin: germline.

Daryl Scott Lab, Baylor College of Medicine
Classification: Pathogenic for CC2D2A-related disorder. Last evaluated: 2024-01-01. Review status: criteria provided, single submitter. Criteria: ACMG Guidelines, 2015. Collection method: clinical testing. Allele origin: biparental. Affected: yes. Observed: 1 homozygote.
Comment: PVS1, PS4

Mayo Clinic Laboratories, Mayo Clinic
Classification: Pathogenic. Last evaluated: 2022-07-08. Review status: criteria provided, single submitter. Criteria: ACMG Guidelines, 2015. Collection method: clinical testing. Allele origin: germline. Observed: 1 variant allele.
Comment: PM2, PM3, PVS1

Revvity Omics, Revvity
Classification: Pathogenic. Last evaluated: 2022-07-07. Review status: criteria provided, single submitter. Criteria: ACMG Guidelines, 2015. Collection method: clinical testing. Allele origin: germline.

Institute of Human Genetics, Univ. Regensburg, Univ. Regensburg
Classification: Pathogenic for Retinal dystrophy. Last evaluated: 2022-01-01. Review status: criteria provided, single submitter. Criteria: ACMG Guidelines, 2015. Collection method: clinical testing. Allele origin: germline. Affected: yes.

GeneDx
Classification: Pathogenic. Last evaluated: 2021-12-06. Review status: criteria provided, single submitter. Criteria: GeneDx Variant Classification Process June 2021. Collection method: clinical testing. Allele origin: germline. Affected: yes.
Comment: Frameshift variant predicted to result in protein truncation or nonsense mediated decay in a gene for which loss-of-function is a known mechanism of disease; Not observed at a significant frequency in large population cohorts (Lek et al., 2016); This variant is associated with the following publications: (PMID: 33543475, 29620724, 30202406, 19466712, 27894351, 21493627, 19777577, 31130284)

Blueprint Genetics
Classification: Pathogenic for CC2D2A-related disorders. Last evaluated: 2021-04-26. Review status: criteria provided, single submitter. Criteria: ACMG Guidelines, 2015. Collection method: clinical testing. Allele origin: germline. Affected: yes. Observed: 3 variant alleles.

Pathology and Clinical Laboratory Medicine, King Fahad Medical City
Classification: Pathogenic for Meckel syndrome, type 6. Review status: criteria provided, single submitter. Criteria: ACMG Guidelines, 2015. Collection method: clinical testing. Allele origin: germline. Affected: yes. Observed: 7 variant alleles.

Juha Muilu Group; Institute for Molecular Medicine Finland (FIMM)
Classification: Likely pathogenic for Meckel syndrome, type 6. Review status: no assertion criteria provided. Collection method: not provided. Allele origin: unknown. Not counted in ClinVar's aggregate classification.
Comment: FinDis database variant: This variant was not found or characterized by our laboratory, data were collected from public sources: see reference
ClinVar note: Converted during submission from probable-pathogenic to Likely pathogenic.

Literature cited by the submitters: PubMed 19466712 (cited by 4 submitters); PubMed 19777577 (cited by 3 submitters); PubMed 21493627 (cited by Ambry Genetics); PubMed 26862157 (cited by Ambry Genetics); PubMed 33486889 (cited by Ambry Genetics and Mayo Clinic Laboratories, Mayo Clinic); PubMed 39071699 (cited by Ambry Genetics); PubMed 27894351 (cited by 3 submitters); PubMed 30202406 (cited by Mayo Clinic Laboratories, Mayo Clinic and Institute of Human Genetics, Univ. Regensburg, Univ. Regensburg); PubMed 31130284 (cited by Mayo Clinic Laboratories, Mayo Clinic and Institute of Human Genetics, Univ. Regensburg, Univ. Regensburg); PubMed 29620724 (cited by Institute of Human Genetics, Univ. Regensburg, Univ. Regensburg); PubMed 31964843 (cited by Institute of Human Genetics, Univ. Regensburg, Univ. Regensburg); PubMed 34853893 (cited by Institute of Human Genetics, Univ. Regensburg, Univ. Regensburg); PubMed 34645488 (cited by Institute of Human Genetics, Univ. Regensburg, Univ. Regensburg).

NM_001378615.1(CC2D2A):c.3084del (p.Lys1029fs)

Genes: CC2D2A (coiled-coil and C2 domain containing 2A; plus strand), FBXL5 (F-box and leucine rich repeat protein 5; minus strand). Cytogenetic location: 4p15.32.
Variant type: Deletion.
Coding change: c.3084del on transcript NM_001378615.1 (MANE Select); coding-DNA position 3084, one base deleted (G; older notation c.3084delG).
Protein change: p.Lys1029fs; shifts the reading frame from lysine 1029.
Molecular consequence: frameshift variant.
Genome position (GRCh38, 1-based): chr4:15,563,424, G deleted; the last of 2 consecutive G bases (chr4:15,563,423-15,563,424); deleting either gives the same sequence. VCF-style (leftmost placement, unchanged base first): chr4-15563422-CG-C. GRCh37 (hg19) VCF-style: chr4-15565045-CG-C.
Other names: p.Lys1029Argfs*3; c.3084delG (NM_001080522.2); c.3084del, p.Lys1029fs (NM_001080522.2); c.2937del, p.Lys980fs (NM_001378617.1); short protein forms K1029fs, K980fs.
Identifiers: ClinVar variation 56301 (VCV000056301.26), dbSNP rs386833749, ClinGen allele CA144220.
Genomic context (GRCh38, chr4:15,563,422, plus strand): 5'-GGCCTAAGCCTTTTCAAGCTGGCAGAACAAAAGCGACCACTGCGGCCAAGGAGAAAAGGT[CG>C]GAAGAAGGTGACAGCCCAAAACCTGTCTGATGGAGACATAAAGCTGCTGGTGAACATTGT-3'